The following is an entry in ClinVar:

ClinVar aggregate classification (germline): Uncertain significance (1 of 4 stars; one submission).

Conditions:
Hereditary cancer-predisposing syndrome. Also called: Tumor predisposition; Hereditary Cancer Syndrome; Hereditary neoplastic syndrome; Neoplastic Syndromes, Hereditary. Identifiers: Orphanet 140162, MedGen C0027672, MeSH D009386, MONDO:0015356.

Submission:

Ambry Genetics
Classification: Uncertain significance for Hereditary cancer-predisposing syndrome. Last evaluated: 2025-10-22. Review status: criteria provided, single submitter. Criteria: Ambry Variant Classification Scheme 2023. Collection method: clinical testing. Allele origin: germline.
Comment: The p.S297I variant (also known as c.890G>T), located in coding exon 5 of the SMARCA4 gene, results from a G to T substitution at nucleotide position 890. The serine at codon 297 is replaced by isoleucine, an amino acid with dissimilar properties. This amino acid position is conserved. In addition, this alteration is predicted to be tolerated by in silico analysis. Based on the available evidence, the clinical significance of this variant remains unclear.

NM_003072.5(SMARCA4):c.890G>T (p.Ser297Ile)

Gene: SMARCA4 (SWI/SNF related BAF chromatin remodeling complex subunit ATPase 4; plus strand). Cytogenetic location: 19p13.2.
Variant type: single nucleotide variant.
Coding change: c.890G>T on transcript NM_003072.5 (MANE Select); coding-DNA position 890, G replaced by T.
Protein change: p.Ser297Ile; replaces serine 297 with isoleucine.
Molecular consequence: missense variant. On other transcripts: non-coding transcript variant (1).
Genome position (GRCh38, 1-based): chr19:10,987,696, G>T. VCF-style: chr19-10987696-G-T. GRCh37 (hg19) VCF-style: chr19-11098372-G-T.
Other names: c.890G>T, p.Ser297Ile (NM_001128844.3, NM_001128845.2, NM_001128846.2 and 6 more transcripts); short protein forms S297I.
Identifiers: ClinVar variation 4549525 (VCV004549525.1).